The following is an entry in ClinVar:

NM_133373.5(PLCD3):c.1670C>T (p.Ser557Phe)

Gene: PLCD3 (phospholipase C delta 3; minus strand). Cytogenetic location: 17q21.31.
Variant type: single nucleotide variant.
Coding change: c.1670C>T on transcript NM_133373.5 (MANE Select); coding-DNA position 1670, C replaced by T.
Protein change: p.Ser557Phe; replaces serine 557 with phenylalanine.
Molecular consequence: missense variant.
Genome position (GRCh38, 1-based): chr17:45,115,135, G>A on the plus strand (C>T on the coding strand, the complement: PLCD3 is on the minus strand). VCF-style: chr17-45115135-G-A. GRCh37 (hg19) VCF-style: chr17-43192503-G-A.
Other names: short protein forms S557F.
Identifiers: ClinVar variation 5026819 (VCV005026819.1).

ClinVar aggregate classification (germline): Uncertain significance (1 of 4 stars; one submission).

gnomAD v4.1: 18 of 1,601,788 alleles (0.0011%); highest among the groups gnomAD compares: Non-Finnish European, 0.0014%; no homozygotes.

Submission:

Ambry Genetics
Classification: Uncertain significance. Last evaluated: 2026-08-03. Review status: criteria provided, single submitter. Criteria: Ambry Variant Classification Scheme 2023. Collection method: clinical testing. Allele origin: germline.
Comment: The c.1670C>T (p.S557F) alteration is located in exon 10 (coding exon 10) of the PLCD3 gene. This alteration results from a C to T substitution at nucleotide position 1670, causing the serine (S) at amino acid position 557 to be replaced by a phenylalanine (F). Based on data from gnomAD, the T allele has an overall frequency of <0.001% (0/226102) total alleles studied. The highest observed frequency was <0.001% (/) of alleles. Based on insufficient or conflicting evidence, the clinical significance of this alteration remains unclear.